The following is an entry in ClinVar:

NM_000213.5(ITGB4):c.3300C>T (p.Ile1100=)

Gene: ITGB4 (integrin subunit beta 4; plus strand). Cytogenetic location: 17q25.1.
Variant type: single nucleotide variant.
Coding change: c.3300C>T on transcript NM_000213.5 (MANE Select); coding-DNA position 3300, C replaced by T.
Protein change: p.Ile1100=; no amino-acid change (isoleucine 1100 retained).
Molecular consequence: synonymous variant.
Genome position (GRCh38, 1-based): chr17:75,749,029, C>T. VCF-style: chr17-75749029-C-T. GRCh37 (hg19) VCF-style: chr17-73745110-C-T.
Other names: c.3300C>T, p.Ile1100= (NM_001005619.2, NM_001005731.3, NM_001321123.2).
Identifiers: ClinVar variation 3002985 (VCV003002985.4), dbSNP rs2061302506, ClinGen allele CA501840641.
Genomic context (GRCh38, chr17:75,749,029, plus strand): 5'-CGTCCAGCTCAGCAACCCTAAGTTTGGGGCCCACCTGGGCCAGCCCCACTCCACCACCAT[C>T]ATCATCAGGGACCCAGGTAGGCAGAGCCTGGGGGTCGGCTTAAGCAGGAGGAGAGGGAAG-3'
Protein context (NP_000204.3, residues 1090-1110): AHLGQPHSTT[Ile1100=]IIRDPDELDR

ClinVar aggregate classification (germline): Likely benign. Review status: criteria provided, single submitter (1 of 4 stars). 2 submissions from 2 submitters: Likely benign (1). 1 of the submissions does not count toward it. Last evaluated 2023-01-17.

Conditions:
ITGB4-related disorder. Also called: ITGB4-related condition.

Allele frequency attached by ClinVar (database versions not stated): gnomAD exomes 0.00001; TOPMed 0.00001.
gnomAD v4.1: 6 of 1,611,564 alleles (0.00037%); highest among the groups gnomAD compares: Non-Finnish European, 0.00051%; no homozygotes.

Submissions (2):

Labcorp Genetics (formerly Invitae), Labcorp
Classification: Likely benign. Last evaluated: 2023-01-17. Review status: criteria provided, single submitter. Criteria: Invitae Variant Classification Sherloc (09022015). Collection method: clinical testing. Allele origin: germline.

PreventionGenetics, part of Exact Sciences
Classification: Likely benign for ITGB4-related condition. Last evaluated: 2024-04-04. Review status: no assertion criteria provided. Collection method: clinical testing. Allele origin: germline. Not counted in ClinVar's aggregate classification.
Comment: This variant is classified as likely benign based on ACMG/AMP sequence variant interpretation guidelines (Richards et al. 2015 PMID: 25741868, with internal and published modifications).